The following is an entry in ClinVar:

ClinVar aggregate classification (germline): Uncertain significance (1 of 4 stars; one submission).

Submission:

GeneDx
Classification: Uncertain significance. Last evaluated: 2025-02-27. Review status: criteria provided, single submitter. Criteria: GeneDx Variant Classification Process June 2021. Collection method: clinical testing. Allele origin: germline. Affected: yes.
Comment: Not observed at significant frequency in large population cohorts (gnomAD); In silico analysis supports that this missense variant has a deleterious effect on protein structure/function; Has not been previously published as pathogenic or benign to our knowledge

NM_000875.5(IGF1R):c.3226C>G (p.Leu1076Val)

Gene: IGF1R (insulin like growth factor 1 receptor; plus strand). Cytogenetic location: 15q26.3.
Variant type: single nucleotide variant.
Coding change: c.3226C>G on transcript NM_000875.5 (MANE Select); coding-DNA position 3226, C replaced by G.
Protein change: p.Leu1076Val; replaces leucine 1076 with valine.
Molecular consequence: missense variant.
Genome position (GRCh38, 1-based): chr15:98,935,355, C>G. VCF-style: chr15-98935355-C-G. GRCh37 (hg19) VCF-style: chr15-99478584-C-G.
Other names: c.3223C>G, p.Leu1075Val (NM_001291858.2); short protein forms L1075V, L1076V.
Identifiers: ClinVar variation 4077351 (VCV004077351.1).